The following is an entry in ClinVar:

NM_014639.4(SKIC3):c.4428G>A (p.Lys1476=)

Gene: SKIC3 (SKI3 subunit of superkiller complex; minus strand). Cytogenetic location: 5q15.
Variant type: single nucleotide variant.
Coding change: c.4428G>A on transcript NM_014639.4 (MANE Select); coding-DNA position 4428, G replaced by A.
Protein change: p.Lys1476=; no amino-acid change (lysine 1476 retained).
Molecular consequence: synonymous variant.
Genome position (GRCh38, 1-based): chr5:95,469,848, C>T on the plus strand (G>A on the coding strand, the complement: SKIC3 is on the minus strand). VCF-style: chr5-95469848-C-T. GRCh37 (hg19) VCF-style: chr5-94805552-C-T.
Identifiers: ClinVar variation 728149 (VCV000728149.12), dbSNP rs145371380, ClinGen allele CA3346394.

ClinVar aggregate classification (germline): Benign/Likely benign. Review status: criteria provided, multiple submitters, no conflicts (2 of 4 stars). 3 submissions from 3 submitters: Benign (1); Likely benign (1). 1 of the submissions does not count toward it. Last evaluated 2026-01-05.

Conditions:
SKIC3-related disorder. Also called: SKIC3-related condition.

Allele frequency attached by ClinVar (database versions not stated): gnomAD exomes 0.00005 and 0.00015; 1000 Genomes Project 0.00020; ExAC 0.00024; 1000 Genomes Project 30x 0.00031; gnomAD 0.00057 and 0.00060; TOPMed 0.00063; ESP Exome Variant Server 0.00077.
gnomAD v4.1: 176 of 1,614,180 alleles (0.011%); highest among the groups gnomAD compares: African/African-American, 0.2%; no homozygotes.

Submissions (3):

Labcorp Genetics (formerly Invitae), Labcorp
Classification: Benign. Last evaluated: 2026-01-05. Review status: criteria provided, single submitter. Criteria: Invitae Variant Classification Sherloc (09022015). Collection method: clinical testing. Allele origin: germline.

Blueprint Genetics
Classification: Likely benign. Last evaluated: 2024-11-13. Review status: criteria provided, single submitter. Criteria: ACMG Guidelines, 2015. Collection method: clinical testing. Allele origin: germline.

PreventionGenetics, part of Exact Sciences
Classification: Likely benign for SKIC3-related condition. Last evaluated: 2020-01-24. Review status: no assertion criteria provided. Collection method: clinical testing. Allele origin: germline. Not counted in ClinVar's aggregate classification.
Comment: This variant is classified as likely benign based on ACMG/AMP sequence variant interpretation guidelines (Richards et al. 2015 PMID: 25741868, with internal and published modifications).